The following is an entry in ClinVar:

ClinVar aggregate classification (germline): Uncertain significance. Review status: criteria provided, multiple submitters, no conflicts (2 of 4 stars). 2 submissions from 2 submitters: Uncertain significance (2). Last evaluated 2025-07-27.

Conditions:
Inborn genetic diseases. Identifiers: MedGen C0950123, MeSH D030342.

gnomAD v4.1: 43 of 1,613,912 alleles (0.0027%); highest among the groups gnomAD compares: South Asian, 0.047%; no homozygotes.

Submissions (2):

Labcorp Genetics (formerly Invitae), Labcorp
Classification: Uncertain significance. Last evaluated: 2025-07-27. Review status: criteria provided, single submitter. Criteria: Invitae Variant Classification Sherloc (09022015). Collection method: clinical testing. Allele origin: germline.
Comment: This sequence change replaces proline, which is neutral and non-polar, with alanine, which is neutral and non-polar, at codon 1664 of the DCHS1 protein (p.Pro1664Ala). This variant is present in population databases (rs761419940, gnomAD 0.03%). This variant has not been reported in the literature in individuals affected with DCHS1-related conditions. Invitae Evidence Modeling of protein sequence and biophysical properties (such as structural, functional, and spatial information, amino acid conservation, physicochemical variation, residue mobility, and thermodynamic stability) indicates that this missense variant is not expected to disrupt DCHS1 protein function with a negative predictive value of 80%. In summary, the available evidence is currently insufficient to determine the role of this variant in disease. Therefore, it has been classified as a Variant of Uncertain Significance.

Ambry Genetics
Classification: Uncertain significance for Inborn genetic diseases. Last evaluated: 2025-07-12. Review status: criteria provided, single submitter. Criteria: Ambry Variant Classification Scheme 2023. Collection method: clinical testing. Allele origin: germline.

NM_003737.4(DCHS1):c.4990C>G (p.Pro1664Ala)

Gene: DCHS1 (dachsous cadherin-related 1; minus strand). Cytogenetic location: 11p15.4.
Variant type: single nucleotide variant.
Coding change: c.4990C>G on transcript NM_003737.4 (MANE Select); coding-DNA position 4990, C replaced by G.
Protein change: p.Pro1664Ala; replaces proline 1664 with alanine.
Molecular consequence: missense variant.
Genome position (GRCh38, 1-based): chr11:6,629,717, G>C on the plus strand (C>G on the coding strand, the complement: DCHS1 is on the minus strand). VCF-style: chr11-6629717-G-C. GRCh37 (hg19) VCF-style: chr11-6650948-G-C.
Other names: short protein forms P1664A.
Identifiers: ClinVar variation 4238007 (VCV004238007.2).
Genomic context (GRCh38, chr11:6,629,717, plus strand): 5'-CCCCCCAGGTCTTACCCACGTCGGGGTCGGTTGCTCGCAGGGTGAGCAGAGATGTGCCAG[G>C]AGGGTTGTTCTCACGCAAGAGGACGCTGTACTCCTGCTGCTGGAAAGTAGGCGCCTCGTC-3'
Protein context (NP_003728.1, residues 1654-1674): YSVLLRENNP[Pro1664Ala]GTSLLTLRAT